The following is an entry in ClinVar:

NM_032043.3(BRIP1):c.3154A>G (p.Lys1052Glu)

Gene: BRIP1 (BRCA1 interacting DNA helicase 1; minus strand). Cytogenetic location: 17q23.2.
Variant type: single nucleotide variant.
Coding change: c.3154A>G on transcript NM_032043.3 (MANE Select); coding-DNA position 3154, A replaced by G.
Protein change: p.Lys1052Glu; replaces lysine 1052 with glutamic acid.
Molecular consequence: missense variant.
Genome position (GRCh38, 1-based): chr17:61,683,892, T>C on the plus strand (A>G on the coding strand, the complement: BRIP1 is on the minus strand). VCF-style: chr17-61683892-T-C. GRCh37 (hg19) VCF-style: chr17-59761253-T-C.
Other names: short protein forms K1052E.
Identifiers: ClinVar variation 860565 (VCV000860565.12), dbSNP rs1285783476, ClinGen allele CA400479524.

ClinVar aggregate classification (germline): Conflicting classifications of pathogenicity. Review status: criteria provided, conflicting classifications (1 of 4 stars). 3 submissions from 3 submitters: Uncertain significance (2); Likely benign (1). Last evaluated 2025-11-18.

Conditions:
Hereditary cancer-predisposing syndrome. Also called: Hereditary neoplastic syndrome; Tumor predisposition; Neoplastic Syndromes, Hereditary; Hereditary Cancer Syndrome. Identifiers: Orphanet 140162, MedGen C0027672, MeSH D009386, MONDO:0015356.
Fanconi anemia complementation group J. Also called: BRIP1-Related Fanconi Anemia. Identifiers: Orphanet 84, MedGen C1836860, MONDO:0012187, OMIM 609054.
Familial cancer of breast. Also called: hereditary breast carcinoma; BREAST CANCER, FAMILIAL; Hereditary breast cancer. Identifiers: Orphanet 227535, MedGen C0346153, MONDO:0016419, OMIM 114480. Disease mechanism: loss of function.

Allele frequency attached by ClinVar (database versions not stated): TOPMed below 0.00001; gnomAD 0.00001.
gnomAD v4.1: 1 of 1,614,116 alleles (0.000062%); highest among the groups gnomAD compares: Non-Finnish European, 0.000085%; no homozygotes.

Submissions (3):

Ambry Genetics
Classification: Likely benign for Hereditary cancer-predisposing syndrome. Last evaluated: 2025-11-18. Review status: criteria provided, single submitter. Criteria: Ambry Variant Classification Scheme 2023. Collection method: clinical testing. Allele origin: germline.

Center for Genomic Medicine, Rigshospitalet, Copenhagen University Hospital
Classification: Uncertain significance. Last evaluated: 2025-03-04. Review status: criteria provided, single submitter. Criteria: ACMG Guidelines, 2015. Collection method: clinical testing. Allele origin: germline.

Labcorp Genetics (formerly Invitae), Labcorp
Classification: Uncertain significance for Familial cancer of breast; Fanconi anemia complementation group J. Last evaluated: 2021-08-24. Review status: criteria provided, single submitter. Criteria: Invitae Variant Classification Sherloc (09022015). Collection method: clinical testing. Allele origin: germline.
Comment: This sequence change replaces lysine with glutamic acid at codon 1052 of the BRIP1 protein (p.Lys1052Glu). The lysine residue is weakly conserved and there is a small physicochemical difference between lysine and glutamic acid. This variant is not present in population databases (ExAC no frequency). This variant has not been reported in the literature in individuals affected with BRIP1-related conditions. Algorithms developed to predict the effect of missense changes on protein structure and function (SIFT, PolyPhen-2, Align-GVGD) all suggest that this variant is likely to be tolerated. In summary, the available evidence is currently insufficient to determine the role of this variant in disease. Therefore, it has been classified as a Variant of Uncertain Significance.